The following is an entry in ClinVar:

NM_144643.4(SCLT1):c.1439+2dup

Gene: SCLT1 (sodium channel and clathrin linker 1; minus strand). Cytogenetic location: 4q28.2.
Variant type: Duplication.
Coding change: c.1439+2dup on transcript NM_144643.4 (MANE Select); the canonical splice donor site of the intron after coding-DNA position 1439, one base duplicated (T; older notation c.1439+2dupT).
Molecular consequence: splice donor variant.
Genome position (GRCh38, 1-based): chr4:128,946,005, A duplicated on the plus strand (T on the coding strand, the reverse complement: SCLT1 is on the minus strand). VCF-style (leftmost placement, unchanged base first): chr4-128946004-T-TA. GRCh37 (hg19) VCF-style: chr4-129867159-T-TA.
Other names: c.1439+2dup (NM_001410807.1).
Identifiers: ClinVar variation 3901573 (VCV003901573.1).

ClinVar aggregate classification (germline): Uncertain significance (1 of 4 stars; one submission).

Submission:

GeneDx
Classification: Uncertain significance. Last evaluated: 2024-12-04. Review status: criteria provided, single submitter. Criteria: GeneDx Variant Classification Process June 2021. Collection method: clinical testing. Allele origin: germline. Affected: yes.
Comment: Not observed at significant frequency in large population cohorts (gnomAD); Intronic +5 splice site variant in a gene for which loss of function is a known mechanism of disease, and both splice predictors and evolutionary conservation support a deleterious effect, although in the absence of functional evidence the actual effect of this sequence change is unknown.; Has not been previously published as pathogenic or benign to our knowledge